The following is an entry in ClinVar:

NM_005336.6(HDLBP):c.3155G>A (p.Ser1052Asn)

Genes: ANO7 (anoctamin 7; plus strand), HDLBP (high density lipoprotein binding protein; minus strand). Cytogenetic location: 2q37.3.
Variant type: single nucleotide variant.
Coding change: c.3155G>A on transcript NM_005336.6 (MANE Select); coding-DNA position 3155, G replaced by A.
Protein change: p.Ser1052Asn; replaces serine 1052 with asparagine.
Molecular consequence: missense variant.
Genome position (GRCh38, 1-based): chr2:241,233,953, C>T on the plus strand (G>A on the coding strand, the complement: HDLBP is on the minus strand). VCF-style: chr2-241233953-C-T. GRCh37 (hg19) VCF-style: chr2-242173368-C-T.
Other names: c.3056G>A, p.Ser1019Asn (NM_001243900.3); c.3155G>A, p.Ser1052Asn (NM_001320965.3, NM_001320966.3, NM_001320967.3 and 1 more transcripts); short protein forms S1019N, S1052N.
Identifiers: ClinVar variation 2631471 (VCV002631471.1), dbSNP rs2532611026, ClinGen allele CA351350950.
Genomic context (GRCh38, chr2:241,233,953, plus strand): 5'-CCCTTTCTCCCGATAATCTTGGGATGGTATTTGGGGTCTACAGTGACACTCAGCTTAAAA[C>T]TCCTTAAAGCCTACAAATGAAAGGAGCAAGAATGAGGCAAAGATTGAGCTGATCCACCCT-3'
Protein context (NP_005327.1, residues 1042-1062): QAEQEDRALR[Ser1052Asn]FKLSVTVDPK

ClinVar aggregate classification (germline): Uncertain significance (1 of 4 stars; one submission).

Conditions:
HDLBP-related disorder. Also called: HDLBP-related condition.

Submission:

PreventionGenetics, part of Exact Sciences
Classification: Uncertain significance for HDLBP-related condition. Last evaluated: 2023-07-16. Review status: criteria provided, single submitter. Criteria: ACMG Guidelines, 2015. Collection method: clinical testing. Allele origin: germline.
Comment: The HDLBP c.3155G>A variant is predicted to result in the amino acid substitution p.Ser1052Asn. To our knowledge, this variant has not been reported in the literature or in a large population database, indicating this variant is rare. At this time, the clinical significance of this variant is uncertain due to the absence of conclusive functional and genetic evidence.